The following is an entry in ClinVar:

NM_025114.4(CEP290):c.5086C>G (p.Gln1696Glu)

Gene: CEP290 (centrosomal protein 290; minus strand). Cytogenetic location: 12q21.32.
Variant type: single nucleotide variant.
Coding change: c.5086C>G on transcript NM_025114.4 (MANE Select); coding-DNA position 5086, C replaced by G.
Protein change: p.Gln1696Glu; replaces glutamine 1696 with glutamic acid.
Molecular consequence: missense variant.
Genome position (GRCh38, 1-based): chr12:88,080,322, G>C on the plus strand (C>G on the coding strand, the complement: CEP290 is on the minus strand). VCF-style: chr12-88080322-G-C. GRCh37 (hg19) VCF-style: chr12-88474099-G-C.
Other names: short protein forms Q1696E.
Identifiers: ClinVar variation 1039401 (VCV001039401.9), dbSNP rs2036106218, ClinGen allele CA385991386.
Genomic context (GRCh38, chr12:88,080,322, plus strand): 5'-AATTTGCTTCTTTTTGAGCCTGAAGTTCAGATTTTAAACACTGTGACTCCTTTTGTGACT[G>C]GTCCAGAAGATACTTTAAATCCTCTACTTCCGCTTTTACTTTTTTCACTTCATCTTCATG-3'
Protein context (NP_079390.3, residues 1686-1706): EVEDLKYLLD[Gln1696Glu]SQKESQCLKS

ClinVar aggregate classification (germline): Uncertain significance (1 of 4 stars; one submission).

Conditions:
Joubert syndrome. Also called: Familial aplasia of the vermis; CEREBELLOPARENCHYMAL DISORDER IV; JOUBERT-BOLTSHAUSER SYNDROME. Identifiers: Orphanet 475, MedGen C5979921, MONDO:0018772.
Meckel-Gruber syndrome. Also called: Dysencephalia splachnocystica; DYSENCEPHALIA SPLANCHNOCYSTICA; GRUBER SYNDROME. Identifiers: Orphanet 564, MedGen C0265215, MONDO:0018921.
Nephronophthisis. Also called: Juvenile Nephronophthisis. Identifiers: Orphanet 655, MedGen C0687120, MONDO:0019005, HP:0000090.

Submission:

Labcorp Genetics (formerly Invitae), Labcorp
Classification: Uncertain significance for Joubert syndrome; Meckel-Gruber syndrome; Nephronophthisis. Last evaluated: 2022-07-26. Review status: criteria provided, single submitter. Criteria: Invitae Variant Classification Sherloc (09022015). Collection method: clinical testing. Allele origin: germline.
Comment: This variant has not been reported in the literature in individuals affected with CEP290-related conditions. In summary, the available evidence is currently insufficient to determine the role of this variant in disease. Therefore, it has been classified as a Variant of Uncertain Significance. Algorithms developed to predict the effect of missense changes on protein structure and function (SIFT, PolyPhen-2, Align-GVGD) all suggest that this variant is likely to be tolerated. ClinVar contains an entry for this variant (Variation ID: 1039401). This variant is not present in population databases (gnomAD no frequency). This sequence change replaces glutamine, which is neutral and polar, with glutamic acid, which is acidic and polar, at codon 1696 of the CEP290 protein (p.Gln1696Glu).